The following is an entry in ClinVar:

ClinVar aggregate classification (germline): Pathogenic (1 of 4 stars; one submission).

Submission:

ISCA site 4
Classification: Pathogenic. Last evaluated: 2011-08-12. Review status: criteria provided, single submitter. Criteria: Kaminsky et al. (Genet Med. 2011). Collection method: clinical testing. Allele origin: unknown. Affected: yes. Observed: 1 variant allele.
Comment: Copy number variation identified through the course of routine clinical cytogenomic testing in postnatal populations. Clinical assertions have been curated as described in Kaminsky et al. 2011.

GRCh38/hg38 7q11.22-21.11(chr7:71225344-81735657)x1

Genes: BCL7B (BAF chromatin remodeling complex subunit BCL7B; minus strand), BUD23 (BUD23 rRNA methyltransferase and ribosome maturation factor; plus strand), CALN1 (calneuron 1; minus strand), BAZ1B (bromodomain adjacent to zinc finger domain 1B; minus strand), ABHD11 (abhydrolase domain containing 11; minus strand) and 315 more. Cytogenetic location: 7q11.22-21.11.
Variant type: copy number loss.
Change: copy number 1 (one copy instead of two) of chr7:71,225,344-81,735,657 (10.51 Mb, GRCh38 coordinates, 1-based), cytogenetic band 7q11.22-21.11.
Identifiers: ClinVar variation 57096 (VCV000057096.1).